The following is an entry in ClinVar:

ClinVar aggregate classification (germline): Conflicting classifications of pathogenicity. Review status: criteria provided, conflicting classifications (1 of 4 stars). 6 submissions from 6 submitters: Uncertain significance (5); Likely benign (1). Last evaluated 2025-10-12.

Conditions:
Tuberous sclerosis 1 (TSC1). Identifiers: Orphanet 805, MedGen C1854465, MONDO:0008612, OMIM 191100.
Hereditary cancer-predisposing syndrome. Also called: Tumor predisposition; Hereditary Cancer Syndrome; Hereditary neoplastic syndrome; Neoplastic Syndromes, Hereditary. Identifiers: Orphanet 140162, MedGen C0027672, MeSH D009386, MONDO:0015356.
Tuberous sclerosis syndrome (TSC). Also called: Tuberous Sclerosis Complex; Tuberous sclerosis. Identifiers: Orphanet 805, MedGen C0041341, MONDO:0001734.

Allele frequency attached by ClinVar (database versions not stated): gnomAD exomes below 0.00001 and 0.00001; TOPMed below 0.00001; ExAC 0.00001.

Submissions (6):

Color Diagnostics, LLC DBA Color Health
Classification: Uncertain significance for Tuberous sclerosis syndrome. Last evaluated: 2025-10-12. Review status: criteria provided, single submitter. Criteria: ACMG Guidelines, 2015. Collection method: clinical testing. Allele origin: germline.
Comment: This missense variant replaces serine with phenylalanine at codon 313 of the TSC1 protein. Computational prediction is inconclusive regarding the impact of this variant on protein structure and function. To our knowledge, functional studies have not been reported for this variant. This variant has not been reported in individuals affected with TSC1-related disorders in the literature. This variant has been identified in 3/1455122 chromosomes in the general population by the Genome Aggregation Database (gnomAD). The available evidence is insufficient to determine the role of this variant in disease conclusively. Therefore, this variant is classified as a Variant of Uncertain Significance.

Labcorp Genetics (formerly Invitae), Labcorp
Classification: Likely benign for Tuberous sclerosis 1. Last evaluated: 2025-09-16. Review status: criteria provided, single submitter. Criteria: Invitae Variant Classification Sherloc (09022015). Collection method: clinical testing. Allele origin: germline.

Ambry Genetics
Classification: Uncertain significance for Hereditary cancer-predisposing syndrome. Last evaluated: 2024-02-29. Review status: criteria provided, single submitter. Criteria: Ambry Variant Classification Scheme 2023. Collection method: clinical testing. Allele origin: germline.
Comment: The p.S313F variant (also known as c.938C>T), located in coding exon 8 of the TSC1 gene, results from a C to T substitution at nucleotide position 938. The serine at codon 313 is replaced by phenylalanine, an amino acid with highly dissimilar properties. This amino acid position is well conserved in available vertebrate species. In addition, this alteration is predicted to be deleterious by in silico analysis. Since supporting evidence is limited at this time, the clinical significance of this alteration remains unclear.

Department of Pathology and Laboratory Medicine, Sinai Health System
Classification: Uncertain significance for Tuberous sclerosis 1. Last evaluated: 2024-01-04. Review status: criteria provided, single submitter. Criteria: ACMG Guidelines, 2015. Collection method: clinical testing. Allele origin: germline. Affected: yes.

CeGaT Center for Human Genetics Tuebingen
Classification: Uncertain significance. Last evaluated: 2022-05-01. Review status: criteria provided, single submitter. Criteria: CeGaT Center For Human Genetics Tuebingen Variant Classification Criteria Version 2. Collection method: clinical testing. Allele origin: germline. Affected: yes. Observed: 1 variant allele.

CENTOGENE GmbH and LLC - Guiding Precision Medicine
Classification: Uncertain significance for Tuberous sclerosis 1. Last evaluated: 2019-10-10. Review status: criteria provided, single submitter. Criteria: ACMG Guidelines, 2015. Collection method: clinical testing. Allele origin: germline.

NM_000368.5(TSC1):c.938C>T (p.Ser313Phe)

Gene: TSC1 (TSC complex subunit 1; minus strand). Cytogenetic location: 9q34.13.
Variant type: single nucleotide variant.
Coding change: c.938C>T on transcript NM_000368.5 (MANE Select); coding-DNA position 938, C replaced by T.
Protein change: p.Ser313Phe; replaces serine 313 with phenylalanine.
Molecular consequence: missense variant.
Genome position (GRCh38, 1-based): chr9:132,911,544, G>A on the plus strand (C>T on the coding strand, the complement: TSC1 is on the minus strand). VCF-style: chr9-132911544-G-A. GRCh37 (hg19) VCF-style: chr9-135786931-G-A.
Other names: c.938C>T, p.Ser313Phe (NM_001162426.2); c.785C>T, p.Ser262Phe (NM_001162427.2); c.575C>T, p.Ser192Phe (NM_001362177.2); short protein forms S313F, S192F, S262F.
Identifiers: ClinVar variation 582295 (VCV000582295.38), dbSNP rs766317920, ClinGen allele CA039798.
Genomic context (GRCh38, chr9:132,911,544, plus strand): 5'-GGGGAACTCAGAGTCTGAGGTAGCTGCCCTGGCATATTTAACAACATCAGCCGAGACGTG[G>A]AGTAAGGGGTAGAAGTAGCACACCCTAAAATGGAAGAGAAGAACACAGGGGGTTAGTGTG-3'
Protein context (NP_000359.1, residues 303-323): SYGCATSTPY[Ser313Phe]TSRLMLLNMP